The following is an entry in ClinVar:

NM_001042750.2(STAG2):c.1559C>G (p.Ala520Gly)

Gene: STAG2 (STAG2 cohesin complex component; plus strand). Cytogenetic location: Xq25.
Variant type: single nucleotide variant.
Coding change: c.1559C>G on transcript NM_001042750.2 (MANE Select); coding-DNA position 1559, C replaced by G.
Protein change: p.Ala520Gly; replaces alanine 520 with glycine.
Molecular consequence: missense variant.
Genome position (GRCh38, 1-based): chrX:124,061,795, C>G. VCF-style: chrX-124061795-C-G. GRCh37 (hg19) VCF-style: chrX-123195645-C-G.
Other names: c.1559C>G, p.Ala520Gly (NM_001042749.2, NM_001042751.2, NM_001282418.2 and 13 more transcripts); short protein forms A520G.
Identifiers: ClinVar variation 1481391 (VCV001481391.6), dbSNP rs779885225, ClinGen allele CA10508831.

ClinVar aggregate classification (germline): Uncertain significance (1 of 4 stars; one submission).

Allele frequency attached by ClinVar (database versions not stated): ExAC 0.00001; gnomAD exomes 0.00001.

Submission:

Labcorp Genetics (formerly Invitae), Labcorp
Classification: Uncertain significance. Last evaluated: 2021-11-29. Review status: criteria provided, single submitter. Criteria: Invitae Variant Classification Sherloc (09022015). Collection method: clinical testing. Allele origin: germline.
Comment: In summary, the available evidence is currently insufficient to determine the role of this variant in disease. Therefore, it has been classified as a Variant of Uncertain Significance. Algorithms developed to predict the effect of missense changes on protein structure and function are either unavailable or do not agree on the potential impact of this missense change (SIFT: "Tolerated"; PolyPhen-2: "Possibly Damaging"; Align-GVGD: "Class C0"). This variant has not been reported in the literature in individuals affected with STAG2-related conditions. This variant is present in population databases (rs779885225, gnomAD 0.001%). This sequence change replaces alanine, which is neutral and non-polar, with glycine, which is neutral and non-polar, at codon 520 of the STAG2 protein (p.Ala520Gly).